The following is an entry in ClinVar:

ClinVar aggregate classification (germline): Pathogenic. Review status: criteria provided, single submitter (1 of 4 stars). 2 submissions from 2 submitters: Pathogenic (1). 1 of the submissions does not count toward it. Last evaluated 2025-06-05.

Conditions:
Polycystic kidney disease, adult type (PKD1). Also called: Polycystic Kidney, Autosomal Dominant; POLYCYSTIC KIDNEY DISEASE, ADULT, TYPE I; Polycystic Kidney Disease 1, Autosomal Dominant; Polycystic kidney disease 1; Polycystic kidney disease 1, severe; POLYCYSTIC KIDNEY DISEASE 1 WITH OR WITHOUT POLYCYSTIC LIVER DISEASE. Identifiers: MedGen C3149841, MONDO:0008263, OMIM 173900.

Submissions (2):

Institute of Human Genetics, University of Leipzig Medical Center
Classification: Pathogenic for Polycystic kidney disease, adult type. Last evaluated: 2025-06-05. Review status: criteria provided, single submitter. Criteria: ACMG Guidelines, 2015. Collection method: clinical testing. Allele origin: unknown. Inheritance: Autosomal dominant inheritance. Affected: yes.
Comment: Criteria applied: PVS1,PM2,PS4_SUP

Bioscientia Institut fuer Medizinische Diagnostik GmbH, Sonic Healthcare
Classification: Likely pathogenic for Polycystic kidney disease, adult type. Last evaluated: 2019-11-06. Review status: no assertion criteria provided. Collection method: clinical testing. Allele origin: germline. Affected: yes. Not counted in ClinVar's aggregate classification.

NM_001009944.3(PKD1):c.3262_3263insT (p.Glu1088fs)

Gene: PKD1 (polycystin 1, transient receptor potential channel interacting; minus strand). Cytogenetic location: 16p13.3.
Variant type: Insertion.
Coding change: c.3262_3263insT on transcript NM_001009944.3 (MANE Select); coding-DNA positions 3262 to 3263, T inserted.
Protein change: p.Glu1088fs; shifts the reading frame from glutamic acid 1088.
Molecular consequence: frameshift variant.
Genome position: GRCh38 VCF-style: chr16-2112372-T-TA. GRCh37 (hg19) VCF-style: chr16-2162373-T-TA.
Other names: c.3262_3263insT, p.Glu1088fs (NM_000296.4); short protein forms E1088fs.
Identifiers: ClinVar variation 829974 (VCV000829974.3), dbSNP rs1596566156, ClinGen allele CA915949037.
Genomic context (GRCh38, chr16:2,112,372, plus strand): 5'-GTGGCCCCCTCACCCCCTCATCCCTCACCTGGGGCAGCGTAGGTGTGCATGACATTGTGC[T>TA]CCACCAGCACCTGGGCCACCGAGGGGTCTGGAACCGGGAAGGACTCGTTGTACGGAGGCT-3'